The following is an entry in ClinVar:

ClinVar aggregate classification (germline): Uncertain significance (0 of 4 stars; one submission).

Allele frequency attached by ClinVar (database versions not stated): gnomAD 0.00002; gnomAD exomes below 0.00001; TOPMed 0.00002.
gnomAD v4.1: 16 of 1,613,828 alleles (0.00099%); highest among the groups gnomAD compares: Non-Finnish European, 0.0012%; no homozygotes.

Submission:

Richard Lifton Laboratory, Yale University School of Medicine
Classification: Uncertain significance. Review status: no assertion criteria provided. Collection method: not provided. Allele origin: somatic.
Comment: PLD2
ClinVar note: Converted during submission from unknown to Uncertain significance.

NM_002663.5(PLD2):c.1657C>T (p.Arg553Trp)

Gene: PLD2 (phospholipase D2; plus strand). Cytogenetic location: 17p13.2.
Variant type: single nucleotide variant.
Coding change: c.1657C>T on transcript NM_002663.5 (MANE Select); coding-DNA position 1657, C replaced by T.
Protein change: p.Arg553Trp; replaces arginine 553 with tryptophan.
Molecular consequence: missense variant.
Genome position (GRCh38, 1-based): chr17:4,817,011, C>T. VCF-style: chr17-4817011-C-T. GRCh37 (hg19) VCF-style: chr17-4720306-C-T.
Other names: c.1657C>T, p.Arg553Trp (NM_001243108.2); short protein forms R553W.
Identifiers: ClinVar variation 91944 (VCV000091944.2), dbSNP rs386352350, ClinGen allele CA232215.